The following is an entry in ClinVar:

NM_019108.4(SMG9):c.195del (p.Ile66fs)

Gene: SMG9 (SMG9 nonsense mediated mRNA decay factor; minus strand). Cytogenetic location: 19q13.31.
Variant type: Deletion.
Coding change: c.195del on transcript NM_019108.4 (MANE Select); coding-DNA position 195, one base deleted (C; older notation c.195delC).
Protein change: p.Ile66fs; shifts the reading frame from isoleucine 66.
Molecular consequence: frameshift variant.
Genome position (GRCh38, 1-based): chr19:43,748,008, G deleted on the plus strand (C on the coding strand, the reverse complement: SMG9 is on the minus strand); the first of 5 consecutive G bases (chr19:43,748,008-43,748,012); deleting any one gives the same sequence. VCF-style (leftmost placement, unchanged base first): chr19-43748007-TG-T. GRCh37 (hg19) VCF-style: chr19-44252159-TG-T.
Other names: c.195delC (NM_019108.4); short protein forms I66fs.
Identifiers: ClinVar variation 3339762 (VCV003339762.1).

ClinVar aggregate classification (germline): Pathogenic (1 of 4 stars; one submission).

Conditions:
Neurodevelopmental disorder with intention tremor, pyramidal signs, dyspraxia, and ocular anomalies (NEDITPO). Identifiers: MedGen C5774196, MONDO:0859274, OMIM 619995.

Submission:

Women's Health and Genetics/Laboratory Corporation of America, LabCorp
Classification: Pathogenic for Neurodevelopmental disorder with intention tremor, pyramidal signs, dyspraxia, and ocular anomalies. Last evaluated: 2024-06-03. Review status: criteria provided, single submitter. Criteria: LabCorp Variant Classification Summary - May 2015. Collection method: clinical testing. Allele origin: germline.
Comment: Variant summary: SMG9 c.195delC (p.Ile66SerfsX36) results in a premature termination codon, predicted to cause absence of the protein due to nonsense mediated decay, which is a commonly known mechanism for disease. The variant was absent in 250834 control chromosomes. To our knowledge, no occurrence of c.195delC in individuals affected with Neurodevelopmental Disorder With Intention Tremor, Pyramidal Signs, Dyspraxia, And Ocular Anomalies and no experimental evidence demonstrating its impact on protein function have been reported. No submitters have cited clinical-significance assessments for this variant to ClinVar. Based on the evidence outlined above, the variant was classified as pathogenic.